The following is an entry in ClinVar:

NM_000245.4(MET):c.4034_4036del (p.Ile1345_Gly1346delinsArg)

Gene: MET (MET proto-oncogene, receptor tyrosine kinase; plus strand). Cytogenetic location: 7q31.2.
Variant type: Deletion.
Coding change: c.4034_4036del on transcript NM_000245.4 (MANE Select); coding-DNA positions 4034 to 4036, 3 bases deleted (TTG; older notation c.4034_4036delTTG).
Protein change: p.Ile1345_Gly1346delinsArg.
Molecular consequence: inframe indel.
Genome position (GRCh38, 1-based): chr7:116,795,985-116,795,987, TTG deleted. VCF-style (leftmost placement, unchanged base first): chr7-116795984-ATTG-A. GRCh37 (hg19) VCF-style: chr7-116436038-ATTG-A.
Other names: c.4088_4090del, p.Ile1363_Gly1364delinsArg (NM_001127500.3); c.2744_2746del, p.Ile915_Gly916delinsArg (NM_001324402.2).
Identifiers: ClinVar variation 4726541 (VCV004726541.1).
Genomic context (GRCh38, chr7:116,795,984, plus strand): 5'-GAAATGCGCCCATCCTTTTCTGAACTGGTGTCCCGGATATCAGCGATCTTCTCTACTTTC[ATTG>A]GGGAGCACTATGTCCATGTGAACGCTACTTATGTGAACGTAAAATGTGTCGCTCCGTATC-3'

ClinVar aggregate classification (germline): Uncertain significance (1 of 4 stars; one submission).

Conditions:
Renal cell carcinoma. Identifiers: Orphanet 217071, MedGen C0007134, MeSH D002292, MONDO:0005086, HP:0005584.

Submission:

Labcorp Genetics (formerly Invitae), Labcorp
Classification: Uncertain significance for Renal cell carcinoma. Last evaluated: 2025-09-03. Review status: criteria provided, single submitter. Criteria: Invitae Variant Classification Sherloc (09022015). Collection method: clinical testing. Allele origin: germline.
Comment: This variant, c.4088_4090del, is a complex sequence change that results in the deletion of 2 and insertion of 1 amino acid(s) in the MET protein (p.Ile1363_Gly1364delinsArg). This variant is not present in population databases (gnomAD no frequency). This variant has not been reported in the literature in individuals affected with MET-related conditions. Experimental studies and prediction algorithms are not available or were not evaluated, and the functional significance of this variant is currently unknown. In summary, the available evidence is currently insufficient to determine the role of this variant in disease. Therefore, it has been classified as a Variant of Uncertain Significance.